The following is an entry in ClinVar:

NM_000237.3(LPL):c.206T>C (p.Phe69Ser)

Gene: LPL (lipoprotein lipase; plus strand). Cytogenetic location: 8p21.3.
Variant type: single nucleotide variant.
Coding change: c.206T>C on transcript NM_000237.3 (MANE Select); coding-DNA position 206, T replaced by C.
Protein change: p.Phe69Ser; replaces phenylalanine 69 with serine.
Molecular consequence: missense variant.
Genome position (GRCh38, 1-based): chr8:19,948,297, T>C. VCF-style: chr8-19948297-T-C. GRCh37 (hg19) VCF-style: chr8-19805808-T-C.
Other names: short protein forms F69S.
Identifiers: ClinVar variation 1978374 (VCV001978374.4), dbSNP rs2069901687, ClinGen allele CA370467000.

ClinVar aggregate classification (germline): Uncertain significance (1 of 4 stars; one submission).

Allele frequency attached by ClinVar (database versions not stated): gnomAD exomes below 0.00001.
gnomAD v4.1: 1 of 1,614,124 alleles (0.000062%); highest among the groups gnomAD compares: Non-Finnish European, 0.000085%; no homozygotes.

Submission:

Labcorp Genetics (formerly Invitae), Labcorp
Classification: Uncertain significance. Last evaluated: 2022-10-11. Review status: criteria provided, single submitter. Criteria: Invitae Variant Classification Sherloc (09022015). Collection method: clinical testing. Allele origin: germline.
Comment: This variant is not present in population databases (gnomAD no frequency). In summary, the available evidence is currently insufficient to determine the role of this variant in disease. Therefore, it has been classified as a Variant of Uncertain Significance. Advanced modeling of protein sequence and biophysical properties (such as structural, functional, and spatial information, amino acid conservation, physicochemical variation, residue mobility, and thermodynamic stability) performed at Invitae indicates that this missense variant is expected to disrupt LPL protein function. This variant has not been reported in the literature in individuals affected with LPL-related conditions. This sequence change replaces phenylalanine, which is neutral and non-polar, with serine, which is neutral and polar, at codon 69 of the LPL protein (p.Phe69Ser).